The following is an entry in ClinVar:

ClinVar aggregate classification (germline): Uncertain significance (1 of 4 stars; one submission).

Conditions:
Infantile-onset ascending hereditary spastic paralysis (IAHSP). Also called: Infantile-Onset Ascending Hereditary Spastic Paralysis (IAHSP); Autosomal Recessive Juvenile Amyotrophic Lateral Sclerosis. Identifiers: Orphanet 293168, MedGen C2931441, MONDO:0011797, OMIM 607225. Disease mechanism: loss of function.

Allele frequency attached by ClinVar (database versions not stated): gnomAD exomes below 0.00001.

Submission:

Labcorp Genetics (formerly Invitae), Labcorp
Classification: Uncertain significance for Infantile-onset ascending hereditary spastic paralysis. Last evaluated: 2024-02-12. Review status: criteria provided, single submitter. Criteria: Invitae Variant Classification Sherloc (09022015). Collection method: clinical testing. Allele origin: germline.
Comment: This sequence change replaces aspartic acid, which is acidic and polar, with glycine, which is neutral and non-polar, at codon 1218 of the ALS2 protein (p.Asp1218Gly). This variant is not present in population databases (gnomAD no frequency). This variant has not been reported in the literature in individuals affected with ALS2-related conditions. ClinVar contains an entry for this variant (Variation ID: 1520218). Advanced modeling of protein sequence and biophysical properties (such as structural, functional, and spatial information, amino acid conservation, physicochemical variation, residue mobility, and thermodynamic stability) performed at Invitae indicates that this missense variant is not expected to disrupt ALS2 protein function with a negative predictive value of 80%. In summary, the available evidence is currently insufficient to determine the role of this variant in disease. Therefore, it has been classified as a Variant of Uncertain Significance.

NM_020919.4(ALS2):c.3653A>G (p.Asp1218Gly)

Gene: ALS2 (alsin Rho guanine nucleotide exchange factor ALS2; minus strand). Cytogenetic location: 2q33.1.
Variant type: single nucleotide variant.
Coding change: c.3653A>G on transcript NM_020919.4 (MANE Select); coding-DNA position 3653, A replaced by G.
Protein change: p.Asp1218Gly; replaces aspartic acid 1218 with glycine.
Molecular consequence: missense variant.
Genome position (GRCh38, 1-based): chr2:201,723,092, T>C on the plus strand (A>G on the coding strand, the complement: ALS2 is on the minus strand). VCF-style: chr2-201723092-T-C. GRCh37 (hg19) VCF-style: chr2-202587815-T-C.
Other names: short protein forms D1218G.
Identifiers: ClinVar variation 1520218 (VCV001520218.8), dbSNP rs2105998170, ClinGen allele CA350319169.